The following is an entry in ClinVar:

NM_001466.4(FZD2):c.521C>T (p.Pro174Leu)

Gene: FZD2 (frizzled class receptor 2; plus strand). Cytogenetic location: 17q21.31.
Variant type: single nucleotide variant.
Coding change: c.521C>T on transcript NM_001466.4 (MANE Select); coding-DNA position 521, C replaced by T.
Protein change: p.Pro174Leu; replaces proline 174 with leucine.
Molecular consequence: missense variant.
Genome position (GRCh38, 1-based): chr17:44,558,209, C>T. VCF-style: chr17-44558209-C-T. GRCh37 (hg19) VCF-style: chr17-42635577-C-T.
Other names: c.521C>T (NM_001466.3); short protein forms P174L.
Identifiers: ClinVar variation 2872804 (VCV002872804.4), dbSNP rs752191369, ClinGen allele CA8604667.
Genomic context (GRCh38, chr17:44,558,209, plus strand): 5'-ACCACTCCGAGGACGGAGCTCCCGCGCTACTCACCACCGCGCCGCCGCCGGGACTGCAGC[C>T]GGGTGCCGGGGGCACCCCGGGTGGCCCGGGCGGCGGCGGCGCTCCCCCGCGCTACGCCAC-3'
Protein context (NP_001457.1, residues 164-184): LTTAPPPGLQ[Pro174Leu]GAGGTPGGPG

ClinVar aggregate classification (germline): Uncertain significance. Review status: criteria provided, multiple submitters, no conflicts (2 of 4 stars). 2 submissions from 2 submitters: Uncertain significance (2). Last evaluated 2024-10-11.

Allele frequency attached by ClinVar (database versions not stated): gnomAD exomes below 0.00001; TOPMed 0.00001; ExAC 0.00002.
gnomAD v4.1: 6 of 1,436,742 alleles (0.00042%); highest among the groups gnomAD compares: Non-Finnish European, 0.00045%; no homozygotes.

Submissions (2):

Ambry Genetics
Classification: Uncertain significance. Last evaluated: 2024-10-11. Review status: criteria provided, single submitter. Criteria: Ambry Variant Classification Scheme 2023. Collection method: clinical testing. Allele origin: germline.

Labcorp Genetics (formerly Invitae), Labcorp
Classification: Uncertain significance. Last evaluated: 2022-10-25. Review status: criteria provided, single submitter. Criteria: Invitae Variant Classification Sherloc (09022015). Collection method: clinical testing. Allele origin: germline.
Comment: This sequence change replaces proline, which is neutral and non-polar, with leucine, which is neutral and non-polar, at codon 174 of the FZD2 protein (p.Pro174Leu). This variant is present in population databases (rs752191369, gnomAD 0.002%). This variant has not been reported in the literature in individuals affected with FZD2-related conditions. Algorithms developed to predict the effect of missense changes on protein structure and function are either unavailable or do not agree on the potential impact of this missense change (SIFT: "Deleterious"; PolyPhen-2: "Benign"; Align-GVGD: "Class C0"). In summary, the available evidence is currently insufficient to determine the role of this variant in disease. Therefore, it has been classified as a Variant of Uncertain Significance.